The following is an entry in ClinVar:

NM_004329.3(BMPR1A):c.712C>T (p.Arg238Trp)

Gene: BMPR1A (bone morphogenetic protein receptor type 1A; plus strand). Cytogenetic location: 10q23.2.
Variant type: single nucleotide variant.
Coding change: c.712C>T on transcript NM_004329.3 (MANE Select); coding-DNA position 712, C replaced by T.
Protein change: p.Arg238Trp; replaces arginine 238 with tryptophan.
Molecular consequence: missense variant.
Genome position (GRCh38, 1-based): chr10:86,917,170, C>T. VCF-style: chr10-86917170-C-T. GRCh37 (hg19) VCF-style: chr10-88676927-C-T.
Other names: short protein forms R238W.
Identifiers: ClinVar variation 482846 (VCV000482846.30), dbSNP rs747728399, ClinGen allele CA5585590.

ClinVar aggregate classification (germline): Conflicting classifications of pathogenicity. Review status: criteria provided, conflicting classifications (1 of 4 stars). 9 submissions from 9 submitters: Uncertain significance (6); Benign (1). 2 of the submissions do not count toward it. Last evaluated 2025-08-11.

Conditions:
Hereditary cancer-predisposing syndrome. Also called: Hereditary neoplastic syndrome; Hereditary Cancer Syndrome; Tumor predisposition; Neoplastic Syndromes, Hereditary. Identifiers: Orphanet 140162, MedGen C0027672, MeSH D009386, MONDO:0015356.
Idiopathic and/or familial pulmonary arterial hypertension. Identifiers: Orphanet 422, MedGen C5679820, MONDO:0008347.
Pulmonary arterial hypertension. Identifiers: Orphanet 182090, MedGen C2973725, MeSH D000081029, MONDO:0015924, HP:0002092.
Juvenile polyposis syndrome (JPS). Identifiers: Orphanet 2929, MedGen C0345893, MONDO:0017380, OMIM 174900.
Carcinoma of colon (CRC). Also called: Colon carcinoma; Colonic carcinoma. Identifiers: MedGen C0699790, MONDO:0002032.

Allele frequency attached by ClinVar (database versions not stated): TOPMed 0.00003.
gnomAD v4.1: 22 of 1,613,838 alleles (0.0014%); highest among the groups gnomAD compares: African/African-American, 0.0027%; no homozygotes.

Submissions (9):

Labcorp Genetics (formerly Invitae), Labcorp
Classification: Uncertain significance for Juvenile polyposis syndrome. Last evaluated: 2025-08-11. Review status: criteria provided, single submitter. Criteria: Invitae Variant Classification Sherloc (09022015). Collection method: clinical testing. Allele origin: germline.
Comment: This sequence change replaces arginine, which is basic and polar, with tryptophan, which is neutral and slightly polar, at codon 238 of the BMPR1A protein (p.Arg238Trp). This variant is present in population databases (rs747728399, gnomAD 0.004%). This variant has not been reported in the literature in individuals affected with BMPR1A-related conditions. ClinVar contains an entry for this variant (Variation ID: 482846). Invitae Evidence Modeling of protein sequence and biophysical properties (such as structural, functional, and spatial information, amino acid conservation, physicochemical variation, residue mobility, and thermodynamic stability) has been performed for this missense variant. However, the output from this modeling did not meet the statistical confidence thresholds required to predict the impact of this variant on BMPR1A protein function. In summary, the available evidence is currently insufficient to determine the role of this variant in disease. Therefore, it has been classified as a Variant of Uncertain Significance.

Center for Genomic Medicine, Rigshospitalet, Copenhagen University Hospital
Classification: Uncertain significance. Last evaluated: 2025-03-04. Review status: criteria provided, single submitter. Criteria: ACMG Guidelines, 2015. Collection method: clinical testing. Allele origin: germline.

Quest Diagnostics Nichols Institute San Juan Capistrano
Classification: Uncertain significance. Last evaluated: 2025-02-05. Review status: criteria provided, single submitter. Criteria: Quest Diagnostics criteria. Collection method: clinical testing. Allele origin: unknown.
Comment: The BMPR1A c.712C>T (p.Arg238Trp) variant has been reported in the published literature in individuals with a personal or family history of breast/ovarian cancer (PMIDs: 38874686 (2024), 32885271 (2020)), as well as in reportedly healthy individuals (PMID: 36243179 (2023)). The frequency of this variant in the general population (Genome Aggregation Database) is uninformative in the assessment of its pathogenicity. Analysis of this variant using bioinformatics tools for the prediction of the effect of amino acid changes on protein structure and function yielded predictions that this variant is damaging. Based on the available information, we are unable to determine the clinical significance of this variant.

All of Us Research Program, National Institutes of Health
Classification: Uncertain significance for Juvenile polyposis syndrome. Last evaluated: 2024-08-13. Review status: criteria provided, single submitter. Criteria: ACMG Guidelines, 2015. Collection method: clinical testing. Allele origin: germline. Inheritance: Autosomal dominant inheritance. Observed: 9 variant alleles, 9 heterozygotes.
Comment: This missense variant replaces arginine with tryptophan at codon 238 of the BMPR1A protein. Computational prediction suggests that this variant may have deleterious impact on protein structure and function (internally defined REVEL score threshold >= 0.7, PMID: 27666373). To our knowledge, functional studies have not been reported for this variant. This variant has not been reported in individuals affected with BMPR1A-related disorders in the literature. This variant has been identified in 6/282802 chromosomes in the general population by the Genome Aggregation Database (gnomAD). The available evidence is insufficient to determine the role of this variant in disease conclusively. Therefore, this variant is classified as a Variant of Uncertain Significance.

This study involves interpretation of variants in research participants for the purpose of population health screening. Participant phenotype was not available at the time of variant classification. Additional details can be found in publication PMID: 35346344, PMCID: PMC8962531

Color Diagnostics, LLC DBA Color Health
Classification: Uncertain significance for Hereditary cancer-predisposing syndrome. Last evaluated: 2024-07-30. Review status: criteria provided, single submitter. Criteria: ACMG Guidelines, 2015. Collection method: clinical testing. Allele origin: germline.
Comment: This missense variant replaces arginine with tryptophan at codon 238 of the BMPR1A protein. Computational prediction suggests that this variant may have deleterious impact on protein structure and function (internally defined REVEL score threshold >= 0.7, PMID: 27666373). To our knowledge, functional studies have not been reported for this variant. This variant has not been reported in individuals affected with BMPR1A-related disorders in the literature. This variant has been identified in 6/282802 chromosomes in the general population by the Genome Aggregation Database (gnomAD). The available evidence is insufficient to determine the role of this variant in disease conclusively. Therefore, this variant is classified as a Variant of Uncertain Significance.

GeneDx
Classification: Uncertain significance. Last evaluated: 2022-10-18. Review status: criteria provided, single submitter. Criteria: GeneDx Variant Classification Process June 2021. Collection method: clinical testing. Allele origin: germline. Affected: yes.
Comment: Not observed at significant frequency in large population cohorts (gnomAD); In silico analysis supports that this missense variant has a deleterious effect on protein structure/function; Has not been previously published as pathogenic or benign to our knowledge; This variant is associated with the following publications: (PMID: 31727138)

Ambry Genetics
Classification: Benign for Hereditary cancer-predisposing syndrome. Last evaluated: 2022-10-11. Review status: criteria provided, single submitter. Criteria: Ambry Variant Classification Scheme 2023. Collection method: clinical testing. Allele origin: germline.

Department of Pathology and Laboratory Medicine, Sinai Health System
Classification: Uncertain significance for Carcinoma of colon. Review status: no assertion criteria provided. Collection method: clinical testing. Allele origin: unknown. Affected: yes. Study: The Canadian Open Genetics Repository (COGR). Not counted in ClinVar's aggregate classification.
Comment: The BMPR1A p.Arg238Trp variant was not identified in the literature nor was it identified in the LOVD 3.0 database. The variant was identified in dbSNP (ID: rs747728399) as "With Uncertain significance allele" and in ClinVar (classified as uncertain significance by Ambry Genetics and Invitae). The variant was identified in control databases in 6 of 277158 chromosomes at a frequency of 0.00002 (Genome Aggregation Database Feb 27, 2017). The variant was observed in the following populations: African in 1 of 24018 chromosomes (freq: 0.00004) and European in 5 of 126680 chromosomes (freq: 0.00004), while the variant was not observed in the Other, Latino, Ashkenazi Jewish, East Asian, Finnish, or South Asian populations. The p.Arg238 residue is conserved in mammals but not in more distantly related organisms, and 5 of 5 computational analyses (PolyPhen-2, SIFT, AlignGVGD, BLOSUM, MutationTaster) suggest that the variant may impact the protein; however, this information is not predictive enough to assume pathogenicity. The variant occurs outside of the splicing consensus sequence and in silico or computational prediction software programs (SpliceSiteFinder, MaxEntScan, NNSPLICE, GeneSplicer) do not predict a difference in splicing. In summary, based on the above information, the clinical significance of this variant cannot be determined with certainty at this time. This variant is classified as a variant of uncertain significance.

Wendy Chung Laboratory, Boston Children's Hospital
No classification provided. Condition: Idiopathic and/or familial pulmonary arterial hypertension. Review status: no classification provided. Collection method: literature only. Allele origin: germline. Affected: yes. Not counted in ClinVar's aggregate classification.

Literature cited by the submitters: PubMed 36243179 (cited by Quest Diagnostics Nichols Institute San Juan Capistrano); PubMed 32885271 (cited by Quest Diagnostics Nichols Institute San Juan Capistrano); PubMed 38874686 (cited by Quest Diagnostics Nichols Institute San Juan Capistrano); PubMed 31727138 (cited by Wendy Chung Laboratory, Boston Children's Hospital).